The following is an entry in ClinVar:

ClinVar aggregate classification (germline): Uncertain significance. Review status: criteria provided, multiple submitters, no conflicts (2 of 4 stars). 3 submissions from 3 submitters: Uncertain significance (3). Last evaluated 2025-01-06.

Conditions:
Retinal dystrophy. Also called: Inherited retinal dystrophy. Identifiers: Orphanet 71862, MedGen C0854723, MeSH D058499, MONDO:0019118, HP:0000556.

Allele frequency attached by ClinVar (database versions not stated): gnomAD exomes below 0.00001; ExAC 0.00001.

Submissions (3):

Labcorp Genetics (formerly Invitae), Labcorp
Classification: Uncertain significance. Last evaluated: 2025-01-06. Review status: criteria provided, single submitter. Criteria: Invitae Variant Classification Sherloc (09022015). Collection method: clinical testing. Allele origin: germline.
Comment: This sequence change replaces valine, which is neutral and non-polar, with methionine, which is neutral and non-polar, at codon 593 of the RBP3 protein (p.Val593Met). This variant is present in population databases (rs782377821, gnomAD 0.003%). This variant has not been reported in the literature in individuals affected with RBP3-related conditions. ClinVar contains an entry for this variant (Variation ID: 1904856). Invitae Evidence Modeling of protein sequence and biophysical properties (such as structural, functional, and spatial information, amino acid conservation, physicochemical variation, residue mobility, and thermodynamic stability) indicates that this missense variant is not expected to disrupt RBP3 protein function with a negative predictive value of 80%. In summary, the available evidence is currently insufficient to determine the role of this variant in disease. Therefore, it has been classified as a Variant of Uncertain Significance.

Dept Of Ophthalmology, Nagoya University
Classification: Uncertain significance for Retinal dystrophy. Last evaluated: 2023-10-01. Review status: criteria provided, single submitter. Criteria: Submitter's publication. Collection method: research. Allele origin: germline. Affected: yes.

Blueprint Genetics
Classification: Uncertain significance. Last evaluated: 2019-05-28. Review status: criteria provided, single submitter. Criteria: ACMG Guidelines, 2015. Collection method: clinical testing. Allele origin: germline.

NM_002900.3(RBP3):c.1777G>A (p.Val593Met)

Gene: RBP3 (retinol binding protein 3; plus strand). Cytogenetic location: 10q11.22.
Variant type: single nucleotide variant.
Coding change: c.1777G>A on transcript NM_002900.3 (MANE Select); coding-DNA position 1777, G replaced by A.
Protein change: p.Val593Met; replaces valine 593 with methionine.
Molecular consequence: missense variant.
Genome position (GRCh38, 1-based): chr10:47,350,261, G>A. VCF-style: chr10-47350261-G-A. GRCh37 (hg19) VCF-style: chr10-48389101-C-T.
Other names: short protein forms V593M.
Identifiers: ClinVar variation 1904856 (VCV001904856.6), dbSNP rs782377821, ClinGen allele CA5487433.
Genomic context (GRCh38, chr10:47,350,261, plus strand): 5'-CTGCTGCACACCCGCACGGTGCCGCTGCTGGACACACCCGAAGGCAGCCTCGCGCTCACC[G>A]TGCCGGTCCTCACCTTCATCGACAATCACGGCGAGGCCTGGCTGGGTGGTGGAGTGGTGC-3'
Protein context (NP_002891.1, residues 583-603): DTPEGSLALT[Val593Met]PVLTFIDNHG